The following is an entry in ClinVar:

ClinVar aggregate classification (germline): Uncertain significance (1 of 4 stars; one submission).

Allele frequency attached by ClinVar (database versions not stated): ExAC 0.00003; ESP Exome Variant Server 0.00008; gnomAD 0.00001; gnomAD exomes 0.00001; TOPMed 0.00003.

Submission:

Labcorp Genetics (formerly Invitae), Labcorp
Classification: Uncertain significance. Last evaluated: 2025-10-13. Review status: criteria provided, single submitter. Criteria: Invitae Variant Classification Sherloc (09022015). Collection method: clinical testing. Allele origin: germline.
Comment: This sequence change replaces arginine, which is basic and polar, with tryptophan, which is neutral and slightly polar, at codon 102 of the TAF6 protein (p.Arg102Trp). This variant is present in population databases (rs141220692, gnomAD 0.006%). This variant has not been reported in the literature in individuals affected with TAF6-related conditions. ClinVar contains an entry for this variant (Variation ID: 2889991). Invitae Evidence Modeling of protein sequence and biophysical properties (such as structural, functional, and spatial information, amino acid conservation, physicochemical variation, residue mobility, and thermodynamic stability) indicates that this missense variant is expected to disrupt TAF6 protein function with a positive predictive value of 80%. In summary, the available evidence is currently insufficient to determine the role of this variant in disease. Therefore, it has been classified as a Variant of Uncertain Significance.

NM_139315.3(TAF6):c.304C>T (p.Arg102Trp)

Gene: TAF6 (TATA-box binding protein associated factor 6; minus strand). Cytogenetic location: 7q22.1.
Variant type: single nucleotide variant.
Coding change: c.304C>T on transcript NM_139315.3 (MANE Select); coding-DNA position 304, C replaced by T.
Protein change: p.Arg102Trp; replaces arginine 102 with tryptophan.
Molecular consequence: missense variant. On other transcripts: non-coding transcript variant (1).
Genome position (GRCh38, 1-based): chr7:100,113,709, G>A on the plus strand (C>T on the coding strand, the complement: TAF6 is on the minus strand). VCF-style: chr7-100113709-G-A. GRCh37 (hg19) VCF-style: chr7-99711332-G-A.
Other names: c.415C>T, p.Arg139Trp (NM_001190415.2); c.304C>T, p.Arg102Trp (NM_001364998.1, NM_001364999.1, NM_005641.4); c.274C>T, p.Arg92Trp (NM_001365000.1, NM_001365001.1, NM_001365002.1 and 1 more transcripts); c.442C>T, p.Arg148Trp (NM_001365004.1); short protein forms R102W, R139W, R148W, R92W.
Identifiers: ClinVar variation 2889991 (VCV002889991.3), dbSNP rs141220692, ClinGen allele CA4375677.
Genomic context (GRCh38, chr7:100,113,709, plus strand): 5'-GAGGGGTATTGATGATGTCGCTCAGATCAACCTCCTTCTCCTCATAGAAGTAAAGCTCCC[G>A]GCCCCCACCAGAGGCGAAGCGGAAAGGAATGAACTCCTGGGCGTGGAAGCCATAGAGTGG-3'
Protein context (NP_647476.1, residues 92-112): IPFRFASGGG[Arg102Trp]ELYFYEEKEV